The following is an entry in ClinVar:

ClinVar aggregate classification (germline): Uncertain significance. Review status: criteria provided, multiple submitters, no conflicts (2 of 4 stars). 2 submissions from 2 submitters: Uncertain significance (2). Last evaluated 2023-12-11.

Conditions:
Hereditary cancer-predisposing syndrome. Also called: Tumor predisposition; Hereditary neoplastic syndrome; Neoplastic Syndromes, Hereditary; Hereditary Cancer Syndrome. Identifiers: Orphanet 140162, MedGen C0027672, MeSH D009386, MONDO:0015356.
Familial adenomatous polyposis 1 (FAP1). Also called: POLYPOSIS, ADENOMATOUS INTESTINAL; FAMILIAL ADENOMATOUS POLYPOSIS 1, ATTENUATED. Identifiers: MedGen C2713442, MONDO:0021056, OMIM 175100. Disease mechanism: loss of function.

Allele frequency attached by ClinVar (database versions not stated): gnomAD exomes below 0.00001; TOPMed 0.00001.
gnomAD v4.1: 4 of 1,614,166 alleles (0.00025%); highest among the groups gnomAD compares: Non-Finnish European, 0.00034%; no homozygotes.

Submissions (2):

Ambry Genetics
Classification: Uncertain significance for Hereditary cancer-predisposing syndrome. Last evaluated: 2023-12-11. Review status: criteria provided, single submitter. Criteria: Ambry Variant Classification Scheme 2023. Collection method: clinical testing. Allele origin: germline.
Comment: The p.T1313I variant (also known as c.3938C>T), located in coding exon 15 of the APC gene, results from a C to T substitution at nucleotide position 3938. The threonine at codon 1313 is replaced by isoleucine, an amino acid with similar properties. This amino acid position is not well conserved in available vertebrate species. In addition, in silico predictors for this gene do not accurately predict pathogenicity. Since supporting evidence is limited at this time, the clinical significance of this alteration remains unclear.

Labcorp Genetics (formerly Invitae), Labcorp
Classification: Uncertain significance for Familial adenomatous polyposis 1. Last evaluated: 2023-10-28. Review status: criteria provided, single submitter. Criteria: Invitae Variant Classification Sherloc (09022015). Collection method: clinical testing. Allele origin: germline.
Comment: This sequence change replaces threonine, which is neutral and polar, with isoleucine, which is neutral and non-polar, at codon 1313 of the APC protein (p.Thr1313Ile). This variant is not present in population databases (gnomAD no frequency). This variant has not been reported in the literature in individuals affected with APC-related conditions. ClinVar contains an entry for this variant (Variation ID: 959132). Advanced modeling of protein sequence and biophysical properties (such as structural, functional, and spatial information, amino acid conservation, physicochemical variation, residue mobility, and thermodynamic stability) performed at Invitae indicates that this missense variant is not expected to disrupt APC protein function with a negative predictive value of 95%. In summary, the available evidence is currently insufficient to determine the role of this variant in disease. Therefore, it has been classified as a Variant of Uncertain Significance.

NM_000038.6(APC):c.3938C>T (p.Thr1313Ile)

Gene: APC (APC regulator of Wnt signaling pathway; plus strand). Cytogenetic location: 5q22.2.
Variant type: single nucleotide variant.
Coding change: c.3938C>T on transcript NM_000038.6 (MANE Select); coding-DNA position 3938, C replaced by T.
Protein change: p.Thr1313Ile; replaces threonine 1313 with isoleucine.
Molecular consequence: missense variant.
Genome position (GRCh38, 1-based): chr5:112,839,532, C>T. VCF-style: chr5-112839532-C-T. GRCh37 (hg19) VCF-style: chr5-112175229-C-T.
Other names: c.3938C>T, p.Thr1313Ile (NM_001127510.3, NM_001354895.2); c.3884C>T, p.Thr1295Ile (NM_001127511.3); c.3992C>T, p.Thr1331Ile (NM_001354896.2); c.3968C>T, p.Thr1323Ile (NM_001354897.2); c.3863C>T, p.Thr1288Ile (NM_001354898.2); c.3854C>T, p.Thr1285Ile (NM_001354899.2); c.3815C>T, p.Thr1272Ile (NM_001354900.2); c.3761C>T, p.Thr1254Ile (NM_001354901.2); and 5 more; short protein forms T1187I, T1272I, T1030I, T1288I, T1323I, T1153I, T1222I, T1285I.
Identifiers: ClinVar variation 959132 (VCV000959132.13), dbSNP rs1032236993, ClinGen allele CA16029975.
Genomic context (GRCh38, chr5:112,839,532, plus strand): 5'-CACAGGAAGCAGATTCTGCTAATACCCTGCAAATAGCAGAAATAAAAGAAAAGATTGGAA[C>T]TAGGTCAGCTGAAGATCCTGTGAGCGAAGTTCCAGCAGTGTCACAGCACCCTAGAACCAA-3'
Protein context (NP_000029.2, residues 1303-1323): QIAEIKEKIG[Thr1313Ile]RSAEDPVSEV